The following is an entry in ClinVar:

ClinVar aggregate classification (germline): Uncertain significance (1 of 4 stars; one submission).

Conditions:
Holoprosencephaly 5 (HPE5). Identifiers: Orphanet 2162, MedGen C1864827, MONDO:0012322, OMIM 609637.

gnomAD v4.1: 5 of 1,181,268 alleles (0.00042%); highest among the groups gnomAD compares: South Asian, 0.018%; 1 homozygote.

Submission:

Labcorp Genetics (formerly Invitae), Labcorp
Classification: Uncertain significance for Holoprosencephaly 5. Last evaluated: 2024-10-16. Review status: criteria provided, single submitter. Criteria: Invitae Variant Classification Sherloc (09022015). Collection method: clinical testing. Allele origin: germline.
Comment: This sequence change replaces alanine, which is neutral and non-polar, with threonine, which is neutral and polar, at codon 473 of the ZIC2 protein (p.Ala473Thr). This variant is present in population databases (rs768225481, gnomAD 1.5%). This variant has not been reported in the literature in individuals affected with ZIC2-related conditions. Experimental studies and prediction algorithms are not available or were not evaluated, and the functional significance of this variant is currently unknown. In summary, the available evidence is currently insufficient to determine the role of this variant in disease. Therefore, it has been classified as a Variant of Uncertain Significance.

NM_007129.5(ZIC2):c.1417G>A (p.Ala473Thr)

Gene: ZIC2 (Zic family zinc finger 2; plus strand). Cytogenetic location: 13q32.3.
Variant type: single nucleotide variant.
Coding change: c.1417G>A on transcript NM_007129.5 (MANE Select); coding-DNA position 1417, G replaced by A.
Protein change: p.Ala473Thr; replaces alanine 473 with threonine.
Molecular consequence: missense variant.
Genome position (GRCh38, 1-based): chr13:99,985,500, G>A. VCF-style: chr13-99985500-G-A. GRCh37 (hg19) VCF-style: chr13-100637754-G-A.
Other names: short protein forms A473T.
Identifiers: ClinVar variation 3618024 (VCV003618024.2).